The following is an entry in ClinVar:

NM_002471.4(MYH6):c.1868CCT[1] (p.Ser624del)

Gene: MYH6 (myosin heavy chain 6; minus strand). Cytogenetic location: 14q11.2.
Variant type: Microsatellite.
Coding change: c.1868CCT[1] on transcript NM_002471.4 (MANE Select); one copy of the 3-base unit CCT starting at c.1868; the reference has two copies in a row; one copy, 3 bases deleted.
Protein change: p.Ser624del; deletes serine 624.
Molecular consequence: inframe deletion.
Genome position (GRCh38, 1-based): chr14:23,398,746-23,398,748, AGG deleted on the plus strand (CCT on the coding strand, the reverse complement: MYH6 is on the minus strand); deleting any 3 consecutive bases within chr14:23,398,746-23,398,753 gives the same sequence; the position shown is the placement nearest the transcript's 3' end. VCF-style (leftmost placement, unchanged base first): chr14-23398745-TAGG-T. GRCh37 (hg19) VCF-style: chr14-23867954-TAGG-T.
Other names: c.1871_1873delCCT (NM_002471.3); short protein forms S624del.
Identifiers: ClinVar variation 470510 (VCV000470510.11), dbSNP rs1183656896, ClinGen allele CA613317586.

ClinVar aggregate classification (germline): Uncertain significance. Review status: criteria provided, multiple submitters, no conflicts (2 of 4 stars). 2 submissions from 2 submitters: Uncertain significance (2). Last evaluated 2025-07-01.

Conditions:
Hypertrophic cardiomyopathy 14. Identifiers: MedGen C2750467, MONDO:0013197, OMIM 613251.
Cardiovascular phenotype. Identifiers: MedGen CN230736.

Submissions (2):

Ambry Genetics
Classification: Uncertain significance for Cardiovascular phenotype. Last evaluated: 2025-07-01. Review status: criteria provided, single submitter. Criteria: Ambry Variant Classification Scheme 2023. Collection method: clinical testing. Allele origin: germline.
Comment: The c.1871_1873delCCT variant (also known as p.S624del) is located in coding exon 13 of the MYH6 gene. This variant results from an in-frame CCT deletion at nucleotide positions 1871 to 1873. This results in the in-frame deletion of a serine at codon 624. This variant was reported in an individual with hypertrophic obstructive cardiomyopathy (HOCM); however, additional variants were also detected (Oikawa M et al. BMC Cardiovasc Disord, 2016 May;16:83). This amino acid position is not well conserved in available vertebrate species. In addition, this alteration is predicted to be deleterious by in silico analysis (Choi Y et al. PLoS ONE. 2012; 7(10):e46688). Since supporting evidence is limited at this time, the clinical significance of this alteration remains unclear.

Labcorp Genetics (formerly Invitae), Labcorp
Classification: Uncertain significance for Hypertrophic cardiomyopathy 14. Last evaluated: 2024-11-28. Review status: criteria provided, single submitter. Criteria: Invitae Variant Classification Sherloc (09022015). Collection method: clinical testing. Allele origin: germline.
Comment: This variant, c.1871_1873del, results in the deletion of 1 amino acid(s) of the MYH6 protein (p.Ser624del), but otherwise preserves the integrity of the reading frame. This variant is present in population databases (no rsID available, gnomAD 0.007%). This variant has been observed in individual(s) with familial hypertrophic obstructive cardiomyopathy (PMID: 27160240). Experimental studies and prediction algorithms are not available or were not evaluated, and the functional significance of this variant is currently unknown. In summary, the available evidence is currently insufficient to determine the role of this variant in disease. Therefore, it has been classified as a Variant of Uncertain Significance.

Literature cited by the submitters: PubMed 27160240 (cited by Ambry Genetics and Labcorp Genetics (formerly Invitae), Labcorp).